The following is an entry in ClinVar:

NM_015087.5(SPART):c.1139G>A (p.Arg380His)

Gene: SPART (spartin; minus strand). Cytogenetic location: 13q13.3.
Variant type: single nucleotide variant.
Coding change: c.1139G>A on transcript NM_015087.5 (MANE Select); coding-DNA position 1139, G replaced by A.
Protein change: p.Arg380His; replaces arginine 380 with histidine.
Molecular consequence: missense variant.
Genome position (GRCh38, 1-based): chr13:36,329,387, C>T on the plus strand (G>A on the coding strand, the complement: SPART is on the minus strand). VCF-style: chr13-36329387-C-T. GRCh37 (hg19) VCF-style: chr13-36903524-C-T.
Other names: c.1139G>A, p.Arg380His (NM_001142294.2, NM_001142295.2, NM_001142296.2); short protein forms R380H.
Identifiers: ClinVar variation 392586 (VCV000392586.9), dbSNP rs956021462, ClinGen allele CA16606852.
Genomic context (GRCh38, chr13:36,329,387, plus strand): 5'-AAGACAACACACACACTTATTACTCTTTTATTTACCCTTTTTCCACGTTTTCCTTTATGA[C>T]GTACATCCTTATTGCCTTGGTCCAACTGTTTCACATCAGTGCCAGAGGCTTCTTTTAGTT-3'
Protein context (NP_055902.1, residues 370-390): KQLDQGNKDV[Arg380His]HKGKRGKRAK

ClinVar aggregate classification (germline): Uncertain significance. Review status: criteria provided, multiple submitters, no conflicts (2 of 4 stars). 3 submissions from 3 submitters: Uncertain significance (3). Last evaluated 2024-07-25.

Conditions:
Inborn genetic diseases. Identifiers: MedGen C0950123, MeSH D030342.

Allele frequency attached by ClinVar (database versions not stated): gnomAD 0.00001 and 0.00002; TOPMed 0.00005.
gnomAD v4.1: 36 of 1,613,990 alleles (0.0022%); highest among the groups gnomAD compares: Admixed American, 0.027%; no homozygotes.

Submissions (3):

Ambry Genetics
Classification: Uncertain significance for Inborn genetic diseases. Last evaluated: 2024-07-25. Review status: criteria provided, single submitter. Criteria: Ambry Variant Classification Scheme 2023. Collection method: clinical testing. Allele origin: germline.

Labcorp Genetics (formerly Invitae), Labcorp
Classification: Uncertain significance. Last evaluated: 2024-01-08. Review status: criteria provided, single submitter. Criteria: Invitae Variant Classification Sherloc (09022015). Collection method: clinical testing. Allele origin: germline.
Comment: This sequence change replaces arginine, which is basic and polar, with histidine, which is basic and polar, at codon 380 of the SPART protein (p.Arg380His). This variant is present in population databases (no rsID available, gnomAD 0.03%). This variant has not been reported in the literature in individuals affected with SPART-related conditions. ClinVar contains an entry for this variant (Variation ID: 392586). Algorithms developed to predict the effect of missense changes on protein structure and function output the following: SIFT: "Not Available"; PolyPhen-2: "Benign"; Align-GVGD: "Not Available". The histidine amino acid residue is found in multiple mammalian species, which suggests that this missense change does not adversely affect protein function. In summary, the available evidence is currently insufficient to determine the role of this variant in disease. Therefore, it has been classified as a Variant of Uncertain Significance.

GeneDx
Classification: Uncertain significance. Last evaluated: 2017-01-15. Review status: criteria provided, single submitter. Criteria: GeneDx Variant Classification (06012015). Collection method: clinical testing. Allele origin: germline. Affected: yes.
Comment: A variant of uncertain significance has been identified in the SPG20 gene. The R380H variant has not been published as a pathogenic variant, nor has it been reported as a benign variant to our knowledge. The R380H variant is not observed in large population cohorts (Lek et al., 2016; 1000 Genomes Consortium et al., 2015; Exome Variant Server). The R380H variant is a conservative amino acid substitution, which is not likely to impact secondary protein structure as these residues share similar properties. This substitution occurs at a position that is not conserved. However, in silico analysis is inconsistent in its predictions as to whether or not the variant is damaging to the protein structure/function. Therefore, based on the currently available information, it is unclear whether this variant is a pathogenic variant or a rare benign variant.